The following is an entry in ClinVar:

ClinVar aggregate classification (germline): Uncertain significance. Review status: criteria provided, multiple submitters, no conflicts (2 of 4 stars). 2 submissions from 2 submitters: Uncertain significance (2). Last evaluated 2025-03-27.

Conditions:
Hereditary cancer-predisposing syndrome. Also called: Hereditary neoplastic syndrome; Tumor predisposition; Neoplastic Syndromes, Hereditary; Hereditary Cancer Syndrome. Identifiers: Orphanet 140162, MedGen C0027672, MeSH D009386, MONDO:0015356.
Tuberous sclerosis 2 (TSC2). Identifiers: Orphanet 805, MedGen C1860707, MONDO:0013199, OMIM 613254.

Submissions (2):

Ambry Genetics
Classification: Uncertain significance for Hereditary cancer-predisposing syndrome. Last evaluated: 2025-03-27. Review status: criteria provided, single submitter. Criteria: Ambry Variant Classification Scheme 2023. Collection method: clinical testing. Allele origin: germline.
Comment: The p.R951T variant (also known as c.2852G>C), located in coding exon 25 of the TSC2 gene, results from a G to C substitution at nucleotide position 2852. The arginine at codon 951 is replaced by threonine, an amino acid with similar properties. This amino acid position is conserved. In addition, the in silico prediction for this alteration is inconclusive. Since supporting evidence is limited at this time, the clinical significance of this alteration remains unclear.

Labcorp Genetics (formerly Invitae), Labcorp
Classification: Uncertain significance for Tuberous sclerosis 2. Last evaluated: 2019-10-02. Review status: criteria provided, single submitter. Criteria: Invitae Variant Classification Sherloc (09022015). Collection method: clinical testing. Allele origin: germline.
Comment: This sequence change replaces arginine with threonine at codon 951 of the TSC2 protein (p.Arg951Thr). The arginine residue is weakly conserved and there is a moderate physicochemical difference between arginine and threonine. This variant is not present in population databases (ExAC no frequency). This variant has not been reported in the literature in individuals with TSC2-related conditions. Algorithms developed to predict the effect of missense changes on protein structure and function are either unavailable or do not agree on the potential impact of this missense change (SIFT: "Deleterious"; PolyPhen-2: "Benign"; Align-GVGD: "Class C0"). In summary, the available evidence is currently insufficient to determine the role of this variant in disease. Therefore, it has been classified as a Variant of Uncertain Significance.

NM_000548.5(TSC2):c.2852G>C (p.Arg951Thr)

Gene: TSC2 (TSC complex subunit 2; plus strand). Cytogenetic location: 16p13.3.
Variant type: single nucleotide variant.
Coding change: c.2852G>C on transcript NM_000548.5 (MANE Select); coding-DNA position 2852, G replaced by C.
Protein change: p.Arg951Thr; replaces arginine 951 with threonine.
Molecular consequence: missense variant. On other transcripts: intron variant (9).
Genome position (GRCh38, 1-based): chr16:2,077,612, G>C. VCF-style: chr16-2077612-G-C. GRCh37 (hg19) VCF-style: chr16-2127613-G-C.
Other names: c.2852G>C, p.Arg951Thr (NM_001114382.3); c.2837+1027G>C (NM_021055.3, NM_001370405.1, NM_001363528.2 and 2 more transcripts); c.2726+1027G>C (NM_001318827.2); c.2237+1027G>C (NM_001318831.2); c.2690+1027G>C (NM_001318829.2); c.2870+1027G>C (NM_001318832.2); short protein forms R951T.
Identifiers: ClinVar variation 963710 (VCV000963710.13), dbSNP rs1216438701, ClinGen allele CA394280793.